The following is an entry in ClinVar:

ClinVar aggregate classification (germline): Uncertain significance (1 of 4 stars; one submission).

Submission:

Labcorp Genetics (formerly Invitae), Labcorp
Classification: Uncertain significance. Last evaluated: 2022-02-25. Review status: criteria provided, single submitter. Criteria: Invitae Variant Classification Sherloc (09022015). Collection method: clinical testing. Allele origin: germline.
Comment: In summary, the available evidence is currently insufficient to determine the role of this variant in disease. Therefore, it has been classified as a Variant of Uncertain Significance. Algorithms developed to predict the effect of missense changes on protein structure and function are either unavailable or do not agree on the potential impact of this missense change (SIFT: "Deleterious"; PolyPhen-2: "Benign"; Align-GVGD: "Class C15"). This variant has not been reported in the literature in individuals affected with POLE-related conditions. This variant is not present in population databases (gnomAD no frequency). This sequence change replaces serine, which is neutral and polar, with isoleucine, which is neutral and non-polar, at codon 1317 of the POLE protein (p.Ser1317Ile).

NM_006231.4(POLE):c.3950G>T (p.Ser1317Ile)

Gene: POLE (DNA polymerase epsilon, catalytic subunit; minus strand). Cytogenetic location: 12q24.33.
Variant type: single nucleotide variant.
Coding change: c.3950G>T on transcript NM_006231.4 (MANE Select); coding-DNA position 3950, G replaced by T.
Protein change: p.Ser1317Ile; replaces serine 1317 with isoleucine.
Molecular consequence: missense variant.
Genome position (GRCh38, 1-based): chr12:132,649,361, C>A on the plus strand (G>T on the coding strand, the complement: POLE is on the minus strand). VCF-style: chr12-132649361-C-A. GRCh37 (hg19) VCF-style: chr12-133225947-C-A.
Other names: short protein forms S1317I.
Identifiers: ClinVar variation 1970551 (VCV001970551.5), dbSNP rs2138606318, ClinGen allele CA387384928.